The following is an entry in ClinVar:

NM_019098.5(CNGB3):c.990+1G>T

Gene: CNGB3 (cyclic nucleotide gated channel subunit beta 3; minus strand). Cytogenetic location: 8q21.3.
Variant type: single nucleotide variant.
Coding change: c.990+1G>T on transcript NM_019098.5 (MANE Select); the canonical splice donor site of the intron after coding-DNA position 990, G replaced by T.
Molecular consequence: splice donor variant.
Genome position (GRCh38, 1-based): chr8:86,647,800, C>A on the plus strand (G>T on the coding strand, the complement: CNGB3 is on the minus strand). VCF-style: chr8-86647800-C-A. GRCh37 (hg19) VCF-style: chr8-87660028-C-A.
Identifiers: ClinVar variation 1514783 (VCV001514783.10), dbSNP rs763151392, ClinGen allele CA371448062.

ClinVar aggregate classification (germline): Pathogenic/Likely pathogenic. Review status: criteria provided, multiple submitters, no conflicts (2 of 4 stars). 2 submissions from 2 submitters: Pathogenic (1); Likely pathogenic (1). Last evaluated 2025-06-23.

Conditions:
Achromatopsia 3 (ACHM3). Also called: PINGELAPESE BLINDNESS; TOTAL COLORBLINDNESS WITH MYOPIA; ROD MONOCHROMACY 1; ROD MONOCHROMATISM 1; ACHROMATOPSIA WITH MYOPIA. Identifiers: Orphanet 49382, MedGen C1849792, MONDO:0009875, OMIM 262300.

Allele frequency attached by ClinVar (database versions not stated): gnomAD 0.00001.
gnomAD v4.1: 3 of 1,425,426 alleles (0.00021%); highest among the groups gnomAD compares: Non-Finnish European, 0.0003%; no homozygotes.

Submissions (2):

Myriad Genetics, Inc.
Classification: Pathogenic for Achromatopsia 3. Last evaluated: 2025-06-23. Review status: criteria provided, single submitter. Criteria: Myriad Autosomal Dominant, Autosomal Recessive and X-Linked Classification Criteria (2023). Collection method: clinical testing. Allele origin: unknown.
Comment: NM_019098.4(CNGB3):c.990+1G>T is a variant in a canonical splice site classified as pathogenic in the context of achromatopsia, CNGB3-related. c.990+1G>T has been observed in cases with relevant disease (PMID: 29074561, 33749171, 38219857). Relevant functional assessments of this variant are not available in the literature. c.990+1G>T has not been observed in referenced population frequency databases. In summary, NM_019098.4(CNGB3):c.990+1G>T is a variant in a canonical splice site that has been observed more frequently in cases with the relevant disease than in healthy populations. Please note: this variant was assessed in the context of healthy population screening.

Labcorp Genetics (formerly Invitae), Labcorp
Classification: Likely pathogenic. Last evaluated: 2021-04-04. Review status: criteria provided, single submitter. Criteria: Invitae Variant Classification Sherloc (09022015). Collection method: clinical testing. Allele origin: germline.
Comment: This sequence change affects a donor splice site in intron 8 of the CNGB3 gene. It is expected to disrupt RNA splicing. Variants that disrupt the donor or acceptor splice site typically lead to a loss of protein function (PMID: 16199547), and loss-of-function variants in CNGB3 are known to be pathogenic (PMID: 28795510). In summary, the currently available evidence indicates that the variant is pathogenic, but additional data are needed to prove that conclusively. Therefore, this variant has been classified as Likely Pathogenic. Algorithms developed to predict the effect of sequence changes on RNA splicing suggest that this variant may disrupt the consensus splice site, but this prediction has not been confirmed by published transcriptional studies. This variant has been observed in individual(s) with clinical features of achromatopsia (PMID: 29074561). This variant is not present in population databases (ExAC no frequency).

Literature cited by the submitters: PubMed 29074561 (cited by Myriad Genetics, Inc. and Labcorp Genetics (formerly Invitae), Labcorp); PubMed 33749171 (cited by Myriad Genetics, Inc.); PubMed 38219857 (cited by Myriad Genetics, Inc.); PubMed 16199547 (cited by Labcorp Genetics (formerly Invitae), Labcorp); PubMed 28795510 (cited by Labcorp Genetics (formerly Invitae), Labcorp).